The following is an entry in ClinVar:

NM_000321.3(RB1):c.824A>G (p.Glu275Gly)

Gene: RB1 (RB transcriptional corepressor 1; plus strand). Cytogenetic location: 13q14.2.
Variant type: single nucleotide variant.
Coding change: c.824A>G on transcript NM_000321.3 (MANE Select); coding-DNA position 824, A replaced by G.
Protein change: p.Glu275Gly; replaces glutamic acid 275 with glycine.
Molecular consequence: missense variant.
Genome position (GRCh38, 1-based): chr13:48,362,920, A>G. VCF-style: chr13-48362920-A-G. GRCh37 (hg19) VCF-style: chr13-48937056-A-G.
Other names: c.824A>G, p.Glu275Gly (NM_001407165.1, NM_001407166.1); short protein forms E275G.
Identifiers: ClinVar variation 3666043 (VCV003666043.2).
Genomic context (GRCh38, chr13:48,362,920, plus strand): 5'-GAGGTCAGAACAGGAGTGCACGGATAGCAAAACAACTAGAAAATGATACAAGAATTATTG[A>G]AGTTCTCTGTAAAGAACATGAATGTAATATAGATGAGGTAATTTAACTTCATGATTTCTT-3'
Protein context (NP_000312.2, residues 265-285): KQLENDTRII[Glu275Gly]VLCKEHECNI

ClinVar aggregate classification (germline): Uncertain significance (1 of 4 stars; one submission).

Conditions:
Retinoblastoma (RB1). Also called: RETINOBLASTOMA, SOMATIC. Identifiers: Orphanet 790, MedGen C0035335, MeSH D012175, MONDO:0008380, OMIM 180200, HP:0009919. Disease mechanism: loss of function. Inheritance: Both sporadic and heritable forms are tested..

Submission:

Labcorp Genetics (formerly Invitae), Labcorp
Classification: Uncertain significance for Retinoblastoma. Last evaluated: 2024-10-13. Review status: criteria provided, single submitter. Criteria: Invitae Variant Classification Sherloc (09022015). Collection method: clinical testing. Allele origin: germline.
Comment: This sequence change replaces glutamic acid, which is acidic and polar, with glycine, which is neutral and non-polar, at codon 275 of the RB1 protein (p.Glu275Gly). This variant is not present in population databases (gnomAD no frequency). This variant has not been reported in the literature in individuals affected with RB1-related conditions. Invitae Evidence Modeling of protein sequence and biophysical properties (such as structural, functional, and spatial information, amino acid conservation, physicochemical variation, residue mobility, and thermodynamic stability) has been performed for this missense variant. However, the output from this modeling did not meet the statistical confidence thresholds required to predict the impact of this variant on RB1 protein function. In summary, the available evidence is currently insufficient to determine the role of this variant in disease. Therefore, it has been classified as a Variant of Uncertain Significance.